The following is an entry in ClinVar:

ClinVar aggregate classification (germline): Uncertain significance (1 of 4 stars; one submission).

Conditions:
Singleton-Merten syndrome 1 (SGMRT1). Also called: Widened medullary cavities of bone, aortic calcification, abnormal dentition, and muscular weakness; Syndrome of widened medullary cavities of the metacarpals and phalanges, aortic calcification and abnormal dentition. Identifiers: Orphanet 85191, MedGen C4225427, MONDO:0024535, OMIM 182250.
Aicardi-Goutieres syndrome 7 (AGS7). Identifiers: Orphanet 51, MedGen C3888244, MONDO:0014367, OMIM 615846.

gnomAD v4.1: 1 of 1,614,190 alleles (0.000062%); highest among the groups gnomAD compares: Non-Finnish European, 0.000085%; no homozygotes.

Submission:

Labcorp Genetics (formerly Invitae), Labcorp
Classification: Uncertain significance for Aicardi-Goutieres syndrome 7; Singleton-Merten syndrome 1. Last evaluated: 2024-03-06. Review status: criteria provided, single submitter. Criteria: Invitae Variant Classification Sherloc (09022015). Collection method: clinical testing. Allele origin: germline.
Comment: This sequence change replaces leucine, which is neutral and non-polar, with proline, which is neutral and non-polar, at codon 62 of the IFIH1 protein (p.Leu62Pro). This variant is not present in population databases (gnomAD no frequency). This variant has not been reported in the literature in individuals affected with IFIH1-related conditions. Advanced modeling of protein sequence and biophysical properties (such as structural, functional, and spatial information, amino acid conservation, physicochemical variation, residue mobility, and thermodynamic stability) has been performed at Invitae for this missense variant, however the output from this modeling did not meet the statistical confidence thresholds required to predict the impact of this variant on IFIH1 protein function. In summary, the available evidence is currently insufficient to determine the role of this variant in disease. Therefore, it has been classified as a Variant of Uncertain Significance.

NM_022168.4(IFIH1):c.185T>C (p.Leu62Pro)

Gene: IFIH1 (interferon induced with helicase C domain 1; minus strand). Cytogenetic location: 2q24.2.
Variant type: single nucleotide variant.
Coding change: c.185T>C on transcript NM_022168.4 (MANE Select); coding-DNA position 185, T replaced by C.
Protein change: p.Leu62Pro; replaces leucine 62 with proline.
Molecular consequence: missense variant.
Genome position (GRCh38, 1-based): chr2:162,318,123, A>G on the plus strand (T>C on the coding strand, the complement: IFIH1 is on the minus strand). VCF-style: chr2-162318123-A-G. GRCh37 (hg19) VCF-style: chr2-163174633-A-G.
Other names: short protein forms L62P.
Identifiers: ClinVar variation 3753645 (VCV003753645.2).